The following is an entry in ClinVar:

ClinVar aggregate classification (germline): Pathogenic (1 of 4 stars; one submission).

Submission:

Labcorp Genetics (formerly Invitae), Labcorp
Classification: Pathogenic. Last evaluated: 2023-11-27. Review status: criteria provided, single submitter. Criteria: Invitae Variant Classification Sherloc (09022015). Collection method: clinical testing. Allele origin: germline.
Comment: This sequence change creates a premature translational stop signal ( p.Asp287Phefs*17) in the RP2 gene. It is expected to result in an absent or disrupted protein product. Loss-of-function variants in RP2 are known to be pathogenic (PMID: 11992260, 20625056). This variant is not present in population databases (gnomAD no frequency). This variant has not been reported in the literature in individuals affected with RP2-related conditions. For these reasons, this variant has been classified as Pathogenic.

Literature cited by the submitters: PubMed 11992260; PubMed 20625056.

NM_006915.3(RP2):c.859_860delinsTTC (p.Asp287fs)

Gene: RP2 (RP2 activator of ARL3 GTPase; plus strand). Cytogenetic location: Xp11.3.
Variant type: Indel.
Coding change: c.859_860delinsTTC on transcript NM_006915.3 (MANE Select); coding-DNA positions 859 to 860, GA replaced by TTC.
Protein change: p.Asp287fs; shifts the reading frame from aspartic acid 287.
Molecular consequence: frameshift variant.
Genome position (GRCh38, 1-based): chrX:46,860,078-46,860,079, GA replaced by TTC. VCF-style: chrX-46860078-GA-TTC. GRCh37 (hg19) VCF-style: chrX-46719513-GA-TTC.
Other names: short protein forms D287fs.
Identifiers: ClinVar variation 970660 (VCV000970660.6), dbSNP rs1925037391, ClinGen allele CA1139667501.